The following is an entry in ClinVar:

ClinVar aggregate classification (germline): Uncertain significance (1 of 4 stars; one submission).

Submission:

Labcorp Genetics (formerly Invitae), Labcorp
Classification: Uncertain significance. Last evaluated: 2023-05-31. Review status: criteria provided, single submitter. Criteria: Invitae Variant Classification Sherloc (09022015). Collection method: clinical testing. Allele origin: unknown.
Comment: In summary, the available evidence is currently insufficient to determine the role of this variant in disease. Therefore, it has been classified as a Variant of Uncertain Significance. Experimental studies and prediction algorithms are not available or were not evaluated, and the functional significance of this variant is currently unknown. This variant has not been reported in the literature in individuals affected with ANK1-related conditions. A copy number gain of the genomic region encompassing the full coding sequence of the ANK1 gene has been identified. The boundaries of this event are unknown as they extend beyond the assayed region for this gene and therefore may encompass additional genes. As the precise location of this event is unknown, it may be in tandem or it may be located elsewhere in the genome.

NC_000008.10:g.(?_41518984)_(42329908_?)dup

Genes: ANK1 (ankyrin 1; minus strand), AP3M2 (adaptor related protein complex 3 subunit mu 2; plus strand), DKK4 (dickkopf WNT signaling pathway inhibitor 4; minus strand), IKBKB (inhibitor of nuclear factor kappa B kinase subunit beta; plus strand), KAT6A (lysine acetyltransferase 6A; minus strand) and 4 more. Cytogenetic location: 8p11.21.
Variant type: Duplication.
Identifiers: ClinVar variation 3245546 (VCV003245546.1).